The following is an entry in ClinVar:

NM_020461.4(TUBGCP6):c.76C>T (p.Arg26Cys)

Gene: TUBGCP6 (tubulin gamma complex component 6; minus strand). Cytogenetic location: 22q13.33.
Variant type: single nucleotide variant.
Coding change: c.76C>T on transcript NM_020461.4 (MANE Select); coding-DNA position 76, C replaced by T.
Protein change: p.Arg26Cys; replaces arginine 26 with cysteine.
Molecular consequence: missense variant.
Genome position (GRCh38, 1-based): chr22:50,244,384, G>A on the plus strand (C>T on the coding strand, the complement: TUBGCP6 is on the minus strand). VCF-style: chr22-50244384-G-A. GRCh37 (hg19) VCF-style: chr22-50682813-G-A.
Other names: short protein forms R26C.
Identifiers: ClinVar variation 2128470 (VCV002128470.4), dbSNP rs2519213949, ClinGen allele CA412117327.

ClinVar aggregate classification (germline): Uncertain significance (1 of 4 stars; one submission).

gnomAD v4.1: 1 of 1,613,314 alleles (0.000062%); highest among the groups gnomAD compares: Non-Finnish European, 0.000085%; no homozygotes.

Submission:

Labcorp Genetics (formerly Invitae), Labcorp
Classification: Uncertain significance. Last evaluated: 2022-04-20. Review status: criteria provided, single submitter. Criteria: Invitae Variant Classification Sherloc (09022015). Collection method: clinical testing. Allele origin: germline.
Comment: This sequence change replaces arginine, which is basic and polar, with cysteine, which is neutral and slightly polar, at codon 26 of the TUBGCP6 protein (p.Arg26Cys). This variant is not present in population databases (gnomAD no frequency). This variant has not been reported in the literature in individuals affected with TUBGCP6-related conditions. Algorithms developed to predict the effect of missense changes on protein structure and function are either unavailable or do not agree on the potential impact of this missense change (SIFT: "Deleterious"; PolyPhen-2: "Possibly Damaging"; Align-GVGD: "Class C0"). In summary, the available evidence is currently insufficient to determine the role of this variant in disease. Therefore, it has been classified as a Variant of Uncertain Significance.